The following is an entry in ClinVar:

ClinVar aggregate classification (germline): Uncertain significance. Review status: criteria provided, multiple submitters, no conflicts (2 of 4 stars). 3 submissions from 3 submitters: Uncertain significance (3). Last evaluated 2024-03-28.

Allele frequency attached by ClinVar (database versions not stated): TOPMed below 0.00001; gnomAD 0.00001.

Submissions (3):

ARUP Laboratories, Molecular Genetics and Genomics, ARUP Laboratories
Classification: Uncertain significance. Last evaluated: 2024-03-28. Review status: criteria provided, single submitter. Criteria: ARUP Molecular Germline Variant Investigation Process 2024. Collection method: clinical testing. Allele origin: germline.

Labcorp Genetics (formerly Invitae), Labcorp
Classification: Uncertain significance. Last evaluated: 2024-02-24. Review status: criteria provided, single submitter. Criteria: Invitae Variant Classification Sherloc (09022015). Collection method: clinical testing. Allele origin: germline.
Comment: This sequence change replaces glutamine, which is neutral and polar, with arginine, which is basic and polar, at codon 18 of the HK1 protein (p.Gln18Arg). The frequency data for this variant in the population databases is considered unreliable, as metrics indicate poor data quality at this position in the gnomAD database. This missense change has been observed in individual(s) with clinical features of HK1-related conditions (Invitae). ClinVar contains an entry for this variant (Variation ID: 1003936). An algorithm developed to predict the effect of missense changes on protein structure and function (PolyPhen-2) suggests that this variant is likely to be tolerated. In summary, the available evidence is currently insufficient to determine the role of this variant in disease. Therefore, it has been classified as a Variant of Uncertain Significance.

Centre of Medical Genetics, University Hospital Muenster
Classification: Uncertain significance. Last evaluated: 2021-12-10. Review status: criteria provided, single submitter. Criteria: ACMG Guidelines, 2015. Collection method: clinical testing. Allele origin: unknown. Affected: yes. Observed: 1 variant allele, 1 heterozygote.
Comment: ACMG categories: PM2,PP3

NM_000188.3(HK1):c.53A>G (p.Gln18Arg)

Genes: HK1 (hexokinase 1; plus strand), LOC130003980 (ATAC-STARR-seq lymphoblastoid silent region 2430; plus strand). Cytogenetic location: 10q22.1.
Variant type: single nucleotide variant.
Coding change: c.53A>G on transcript NM_000188.3 (MANE Select); coding-DNA position 53, A replaced by G.
Protein change: p.Gln18Arg; replaces glutamine 18 with arginine.
Molecular consequence: missense variant. On other transcripts: intron variant (8).
Genome position (GRCh38, 1-based): chr10:69,319,000, A>G. VCF-style: chr10-69319000-A-G. GRCh37 (hg19) VCF-style: chr10-71078756-A-G.
Other names: c.53A>G, p.Gln18Arg (NM_001322367.1); c.27+18139A>G (NM_033500.2); c.168+23320A>G (NM_001322365.2); c.75+23320A>G (NM_033498.3, NM_033497.3, NM_001322364.2 and 1 more transcripts); c.60+2986A>G (NM_033496.3); c.-22+765A>G (NM_001322366.1); short protein forms Q18R.
Identifiers: ClinVar variation 1003936 (VCV001003936.13), dbSNP rs957635575, ClinGen allele CA209216512.
Genomic context (GRCh38, chr10:69,319,000, plus strand): 5'-CCGCCAGCATGATCGCCGCGCAGCTCCTGGCCTATTACTTCACGGAGCTGAAGGATGACC[A>G]GGTCAAAAAGGTGAGCCCCCGCCCGCGCCGCCGCTGGTCCTGGCCGCAGCCTTGCGTTCC-3'
Protein context (NP_000179.2, residues 8-28): AYYFTELKDD[Gln18Arg]VKKIDKYLYA